The following is an entry in ClinVar:

ClinVar aggregate classification (germline): Uncertain significance (1 of 4 stars; one submission).

Conditions:
Craniosynostosis 2 (CRS2). Also called: Craniosynostosis Warman type; Craniosynostosis Boston type; Warman-Mulliken-Hayward syndrome. Identifiers: Orphanet 1541, MedGen C1858160, MONDO:0011481, OMIM 604757.

Allele frequency attached by ClinVar (database versions not stated): gnomAD exomes below 0.00001.
gnomAD v4.1: 1 of 1,549,432 alleles (0.000065%); highest among the groups gnomAD compares: Non-Finnish European, 0.000088%; no homozygotes.

Submission:

Victorian Clinical Genetics Services, Murdoch Childrens Research Institute
Classification: Uncertain significance for Craniosynostosis 2. Last evaluated: 2023-07-17. Review status: criteria provided, single submitter. Criteria: ACMG Guidelines, 2015. Collection method: clinical testing. Allele origin: germline. Inheritance: Autosomal dominant inheritance. Affected: yes.
Comment: Based on the classification scheme VCGS_Germline_v1.3.4, this variant is classified as VUS-3B. Following criteria are met: 0103 - Loss of function and gain of function are known mechanisms of disease in this gene, the former is associated with parietal foramina 1 (MIM#168500), while the latter is associated with craniosynostosis 2 (MIM#604757) (PMIDs: 10742103, 8968743). (I) 0107 - This gene is associated with autosomal dominant disease. (I) 0115 - Variants in this gene are known to have variable expressivity. Craniosynostosis 2 (MIM#604757) has been reported to have intrafamilial phenotypic variability (PMID: 23949913). (I) 0200 - Variant is predicted to result in a missense amino acid change from glutamic acid to glycine. (I) 0251 - This variant is heterozygous. (I) 0301 - Variant is absent from gnomAD (both v2 and v3). (SP) 0502 - Missense variant with conflicting in silico predictions and uninformative conservation. (I) 0604 - Variant is not located in an established domain, motif, hotspot or informative constraint region. (I) 0705 - No comparable missense variants have previous evidence for pathogenicity. (I) 0807 - This variant has no previous evidence of pathogenicity. (I) 0905 - No published segregation evidence has been identified for this variant. (I) 1007 - No published functional evidence has been identified for this variant. (I) 1208 - Inheritance information for this variant is not currently available in this individual. (I) Legend: (SP) - Supporting pathogenic, (I) - Information, (SB) - Supporting benign

Literature cited by the submitters: PubMed 8968743; PubMed 10742103; PubMed 23949913.

NM_002449.5(MSX2):c.44A>G (p.Glu15Gly)

Gene: MSX2 (msh homeobox 2; plus strand). Cytogenetic location: 5q35.2.
Variant type: single nucleotide variant.
Coding change: c.44A>G on transcript NM_002449.5 (MANE Select); coding-DNA position 44, A replaced by G.
Protein change: p.Glu15Gly; replaces glutamic acid 15 with glycine.
Molecular consequence: missense variant.
Genome position (GRCh38, 1-based): chr5:174,724,703, A>G. VCF-style: chr5-174724703-A-G. GRCh37 (hg19) VCF-style: chr5-174151706-A-G.
Other names: c.44A>G, p.Glu15Gly (NM_001363626.2); short protein forms E15G.
Identifiers: ClinVar variation 3254818 (VCV003254818.1), dbSNP rs1760735851.